The following is an entry in ClinVar:

ClinVar aggregate classification (germline): Likely pathogenic (1 of 4 stars; one submission).

Conditions:
Knobloch syndrome 1 (KNO1). Identifiers: MedGen C4551775, MONDO:0800167, OMIM 267750.

Submission:

Women's Health and Genetics/Laboratory Corporation of America, LabCorp
Classification: Likely pathogenic for Knobloch syndrome 1. Last evaluated: 2026-03-13. Review status: criteria provided, single submitter. Criteria: LabCorp Variant Classification Summary - May 2015. Collection method: clinical testing. Allele origin: germline.
Comment: Variant summary: COL18A1 c.1453-2A>C is located in a canonical splice-site and is predicted to affect mRNA splicing resulting in a significantly altered protein due to either exon skipping, shortening, or inclusion of intronic material. Variants that disrupt the consensus splice site are a relatively common cause of aberrant splicing and loss of COL18A1 function. Several computational tools predict a significant impact on normal splicing: Three predict the variant abolishes a 3' acceptor site. However, these predictions have yet to be confirmed by functional studies. The variant was absent in 244644 control chromosomes. To our knowledge, no occurrence of c.1453-2A>C in individuals affected with COL18A1-related conditions and no experimental evidence demonstrating its impact on protein function have been reported. No submitters have cited clinical-significance assessments for this variant to ClinVar. Based on the evidence outlined above, the variant was classified as likely pathogenic.

NM_001379500.1(COL18A1):c.1453-2A>C

Gene: COL18A1 (collagen type XVIII alpha 1 chain; plus strand). Cytogenetic location: 21q22.3.
Variant type: single nucleotide variant.
Coding change: c.1453-2A>C on transcript NM_001379500.1 (MANE Select); the canonical splice acceptor site of the intron before coding-DNA position 1453, A replaced by C.
Molecular consequence: splice acceptor variant.
Genome position (GRCh38, 1-based): chr21:45,480,698, A>C. VCF-style: chr21-45480698-A-C. GRCh37 (hg19) VCF-style: chr21-46900612-A-C.
Other names: c.2698-2A>C (NM_130444.3); c.1993-2A>C (NM_030582.4).
Identifiers: ClinVar variation 4847238 (VCV004847238.1).